The following is an entry in ClinVar:

ClinVar aggregate classification (germline): Uncertain significance (1 of 4 stars; one submission).

Conditions:
Inborn genetic diseases. Identifiers: MedGen C0950123, MeSH D030342.

Submission:

Ambry Genetics
Classification: Uncertain significance for Inborn genetic diseases. Last evaluated: 2025-06-30. Review status: criteria provided, single submitter. Criteria: Ambry Variant Classification Scheme 2023. Collection method: clinical testing. Allele origin: germline.
Comment: The p.A496G variant (also known as c.1487C>G), located in coding exon 9 of the ERCC6L2 gene, results from a C to G substitution at nucleotide position 1487. The alanine at codon 496 is replaced by glycine, an amino acid with similar properties. This amino acid position is conserved. In addition, this alteration is predicted to be tolerated by in silico analysis. Based on the available evidence, the clinical significance of this variant remains unclear.

NM_020207.7(ERCC6L2):c.1487C>G (p.Ala496Gly)

Gene: ERCC6L2 (ERCC excision repair 6 like 2; plus strand). Cytogenetic location: 9q22.32.
Variant type: single nucleotide variant.
Coding change: c.1487C>G on transcript NM_020207.7 (MANE Select); coding-DNA position 1487, C replaced by G.
Protein change: p.Ala496Gly; replaces alanine 496 with glycine.
Molecular consequence: missense variant. On other transcripts: non-coding transcript variant (1).
Genome position (GRCh38, 1-based): chr9:95,923,333, C>G. VCF-style: chr9-95923333-C-G. GRCh37 (hg19) VCF-style: chr9-98685615-C-G.
Other names: c.1487C>G, p.Ala496Gly (NM_001375291.1, NM_001375292.1, NM_001375293.1 and 2 more transcripts); short protein forms A496G.
Identifiers: ClinVar variation 4250564 (VCV004250564.1).